The following is an entry in ClinVar:

NM_001349253.2(SCN11A):c.4823A>G (p.Asn1608Ser)

Gene: SCN11A (sodium voltage-gated channel alpha subunit 11; minus strand). Cytogenetic location: 3p22.2.
Variant type: single nucleotide variant.
Coding change: c.4823A>G on transcript NM_001349253.2 (MANE Select); coding-DNA position 4823, A replaced by G.
Protein change: p.Asn1608Ser; replaces asparagine 1608 with serine.
Molecular consequence: missense variant.
Genome position (GRCh38, 1-based): chr3:38,847,247, T>C on the plus strand (A>G on the coding strand, the complement: SCN11A is on the minus strand). VCF-style: chr3-38847247-T-C. GRCh37 (hg19) VCF-style: chr3-38888738-T-C.
Other names: c.4823A>G, p.Asn1608Ser (NM_014139.3); short protein forms N1608S.
Identifiers: ClinVar variation 1743375 (VCV001743375.7), dbSNP rs781726416, ClinGen allele CA2321452.

ClinVar aggregate classification (germline): Uncertain significance. Review status: criteria provided, multiple submitters, no conflicts (2 of 4 stars). 2 submissions from 2 submitters: Uncertain significance (2). Last evaluated 2023-12-24.

Conditions:
Hereditary sensory and autonomic neuropathy type 7. Also called: Neuropathy, hereditary sensory and autonomic, type VII; HSAN VII. Identifiers: Orphanet 391397, MedGen C3809882, MONDO:0014244, OMIM 615548.
Familial episodic pain syndrome with predominantly lower limb involvement. Also called: Episodic pain syndrome, familial, 3. Identifiers: Orphanet 391384, Orphanet 391392, MedGen C3809899, MONDO:0014247, OMIM 615552.
Inborn genetic diseases. Identifiers: MedGen C0950123, MeSH D030342.

Allele frequency attached by ClinVar (database versions not stated): ExAC 0.00001; gnomAD exomes 0.00001; TOPMed 0.00001.
gnomAD v4.1: 16 of 1,614,174 alleles (0.00099%); highest among the groups gnomAD compares: Admixed American, 0.005%; no homozygotes.

Submissions (2):

Labcorp Genetics (formerly Invitae), Labcorp
Classification: Uncertain significance for Familial episodic pain syndrome with predominantly lower limb involvement; Hereditary sensory and autonomic neuropathy type 7. Last evaluated: 2023-12-24. Review status: criteria provided, single submitter. Criteria: Invitae Variant Classification Sherloc (09022015). Collection method: clinical testing. Allele origin: germline.
Comment: This sequence change replaces asparagine, which is neutral and polar, with serine, which is neutral and polar, at codon 1608 of the SCN11A protein (p.Asn1608Ser). This variant is present in population databases (rs781726416, gnomAD 0.009%). This variant has not been reported in the literature in individuals affected with SCN11A-related conditions. ClinVar contains an entry for this variant (Variation ID: 1743375). Advanced modeling of protein sequence and biophysical properties (such as structural, functional, and spatial information, amino acid conservation, physicochemical variation, residue mobility, and thermodynamic stability) performed at Invitae indicates that this missense variant is not expected to disrupt SCN11A protein function with a negative predictive value of 80%. In summary, the available evidence is currently insufficient to determine the role of this variant in disease. Therefore, it has been classified as a Variant of Uncertain Significance.

Ambry Genetics
Classification: Uncertain significance for Inborn genetic diseases. Last evaluated: 2021-08-09. Review status: criteria provided, single submitter. Criteria: Ambry Variant Classification Scheme 2023. Collection method: clinical testing. Allele origin: germline.
Comment: The p.N1608S variant (also known as c.4823A>G), located in coding exon 26 of the SCN11A gene, results from an A to G substitution at nucleotide position 4823. The asparagine at codon 1608 is replaced by serine, an amino acid with highly similar properties. This amino acid position is conserved. In addition, this alteration is predicted to be tolerated by in silico analysis. Since supporting evidence is limited at this time, the clinical significance of this alteration remains unclear.